The following is an entry in ClinVar:

ClinVar aggregate classification (germline): Conflicting classifications of pathogenicity. Review status: criteria provided, conflicting classifications (1 of 4 stars). 2 submissions from 2 submitters: Uncertain significance (1); Likely benign (1). Last evaluated 2023-06-01.

Allele frequency attached by ClinVar (database versions not stated): ExAC 0.00024; gnomAD exomes 0.00024 and 0.00042; 1000 Genomes Project 30x 0.00031; 1000 Genomes Project 0.00040; gnomAD 0.00059 and 0.00062; TOPMed 0.00069; ESP Exome Variant Server 0.00123.
gnomAD v4.1: 705 of 1,614,112 alleles (0.044%); highest among the groups gnomAD compares: African/African-American, 0.15%; 2 homozygotes.

Submissions (2):

CeGaT Center for Human Genetics Tuebingen
Classification: Likely benign. Last evaluated: 2023-06-01. Review status: criteria provided, single submitter. Criteria: CeGaT Center For Human Genetics Tuebingen Variant Classification Criteria Version 2. Collection method: clinical testing. Allele origin: germline. Affected: yes. Observed: 1 variant allele.
Comment: VPS13D: BS1

Labcorp Genetics (formerly Invitae), Labcorp
Classification: Uncertain significance. Last evaluated: 2022-07-19. Review status: criteria provided, single submitter. Criteria: Invitae Variant Classification Sherloc (09022015). Collection method: clinical testing. Allele origin: germline.
Comment: This sequence change replaces asparagine, which is neutral and polar, with serine, which is neutral and polar, at codon 4047 of the VPS13D protein (p.Asn4047Ser). This variant is present in population databases (rs138906978, gnomAD 0.1%). This variant has not been reported in the literature in individuals affected with VPS13D-related conditions. ClinVar contains an entry for this variant (Variation ID: 1510978). Algorithms developed to predict the effect of missense changes on protein structure and function are either unavailable or do not agree on the potential impact of this missense change (SIFT: "Tolerated"; PolyPhen-2: "Probably Damaging"; Align-GVGD: "Class C0"). In summary, the available evidence is currently insufficient to determine the role of this variant in disease. Therefore, it has been classified as a Variant of Uncertain Significance.

NM_015378.4(VPS13D):c.12140A>G (p.Asn4047Ser)

Gene: VPS13D (vacuolar protein sorting 13 homolog D; plus strand). Cytogenetic location: 1p36.22.
Variant type: single nucleotide variant.
Coding change: c.12140A>G on transcript NM_015378.4 (MANE Select); coding-DNA position 12140, A replaced by G.
Protein change: p.Asn4047Ser; replaces asparagine 4047 with serine.
Molecular consequence: missense variant.
Genome position (GRCh38, 1-based): chr1:12,415,196, A>G. VCF-style: chr1-12415196-A-G. GRCh37 (hg19) VCF-style: chr1-12475249-A-G.
Other names: c.12065A>G, p.Asn4022Ser (NM_018156.4); short protein forms N4047S, N4022S.
Identifiers: ClinVar variation 1510978 (VCV001510978.31), dbSNP rs138906978, ClinGen allele CA604133.